The following is an entry in ClinVar:

ClinVar aggregate classification (germline): Uncertain significance (1 of 4 stars; one submission).

Submission:

GeneDx
Classification: Uncertain significance. Last evaluated: 2024-03-16. Review status: criteria provided, single submitter. Criteria: GeneDx Variant Classification Process June 2021. Collection method: clinical testing. Allele origin: germline. Affected: yes.
Comment: Not observed at significant frequency in large population cohorts (gnomAD); In silico analysis supports that this missense variant has a deleterious effect on protein structure/function; Has not been previously published as pathogenic or benign to our knowledge

NM_001205293.3(CACNA1E):c.5474G>A (p.Gly1825Asp)

Gene: CACNA1E (calcium voltage-gated channel subunit alpha1 E; plus strand). Cytogenetic location: 1q25.3.
Variant type: single nucleotide variant.
Coding change: c.5474G>A on transcript NM_001205293.3 (MANE Select); coding-DNA position 5474, G replaced by A.
Protein change: p.Gly1825Asp; replaces glycine 1825 with aspartic acid.
Molecular consequence: missense variant.
Genome position (GRCh38, 1-based): chr1:181,784,664, G>A. VCF-style: chr1-181784664-G-A. GRCh37 (hg19) VCF-style: chr1-181753800-G-A.
Other names: c.5474G>A, p.Gly1825Asp (NM_000721.4); c.5417G>A, p.Gly1806Asp (NM_001205294.2); short protein forms G1806D, G1825D.
Identifiers: ClinVar variation 3371097 (VCV003371097.1).